The following is an entry in ClinVar:

ClinVar aggregate classification (germline): Uncertain significance (1 of 4 stars; one submission).

Allele frequency attached by ClinVar (database versions not stated): gnomAD exomes 0.00001.
gnomAD v4.1: 15 of 1,614,222 alleles (0.00093%); highest among the groups gnomAD compares: Non-Finnish European, 0.0013%; no homozygotes.

Submission:

Ambry Genetics
Classification: Uncertain significance. Last evaluated: 2023-11-06. Review status: criteria provided, single submitter. Criteria: Ambry Variant Classification Scheme 2023. Collection method: clinical testing. Allele origin: germline.
Comment: The p.S566P variant (also known as c.1696T>C), located in coding exon 3 of the ALPK2 gene, results from a T to C substitution at nucleotide position 1696. The serine at codon 566 is replaced by proline, an amino acid with similar properties. This amino acid position is conserved. In addition, this alteration is predicted to be tolerated by in silico analysis. Since supporting evidence is limited at this time, the clinical significance of this alteration remains unclear.

NM_052947.4(ALPK2):c.1696T>C (p.Ser566Pro)

Gene: ALPK2 (alpha kinase 2; minus strand). Cytogenetic location: 18q21.31.
Variant type: single nucleotide variant.
Coding change: c.1696T>C on transcript NM_052947.4 (MANE Select); coding-DNA position 1696, T replaced by C.
Protein change: p.Ser566Pro; replaces serine 566 with proline.
Molecular consequence: missense variant.
Genome position (GRCh38, 1-based): chr18:58,579,080, A>G on the plus strand (T>C on the coding strand, the complement: ALPK2 is on the minus strand). VCF-style: chr18-58579080-A-G. GRCh37 (hg19) VCF-style: chr18-56246312-A-G.
Other names: short protein forms S566P.
Identifiers: ClinVar variation 1778240 (VCV001778240.2), dbSNP rs2518898673, ClinGen allele CA402560804.